The following is an entry in ClinVar:

NM_005257.6(GATA6):c.400G>A (p.Ala134Thr)

Gene: GATA6 (GATA binding protein 6; plus strand). Cytogenetic location: 18q11.2.
Variant type: single nucleotide variant.
Coding change: c.400G>A on transcript NM_005257.6 (MANE Select); coding-DNA position 400, G replaced by A.
Protein change: p.Ala134Thr; replaces alanine 134 with threonine.
Molecular consequence: missense variant.
Genome position (GRCh38, 1-based): chr18:22,171,544, G>A. VCF-style: chr18-22171544-G-A. GRCh37 (hg19) VCF-style: chr18-19751505-G-A.
Other names: short protein forms A134T.
Identifiers: ClinVar variation 2164797 (VCV002164797.6), dbSNP rs775539340, ClinGen allele CA8908878.

ClinVar aggregate classification (germline): Uncertain significance. Review status: criteria provided, multiple submitters, no conflicts (2 of 4 stars). 2 submissions from 2 submitters: Uncertain significance (2). Last evaluated 2025-11-10.

Conditions:
GATA6-related congenital heart disease with or without pancreatic hypoplasia or diabetes. Also called: GATA6-related congenital heart disease with or without pancreatic agenesis or neonatal diabetes. Identifiers: MedGen CN377182, MONDO:0100540.
Atrioventricular septal defect 5 (AVSD5). Identifiers: MedGen C3280939, MONDO:0013769, OMIM 614474.

Allele frequency attached by ClinVar (database versions not stated): gnomAD 0.00001; TOPMed 0.00002; gnomAD exomes 0.00003; ExAC 0.00004.
gnomAD v4.1: 20 of 1,603,888 alleles (0.0012%); highest among the groups gnomAD compares: Admixed American, 0.022%; no homozygotes.

Submissions (2):

Dasa
Classification: Uncertain significance for GATA6-related congenital heart disease with or without pancreatic agenesis or neonatal diabetes. Last evaluated: 2025-11-10. Review status: criteria provided, single submitter. Criteria: DASA Assertion Criteria. Collection method: clinical testing. Allele origin: germline.
Comment: NM_005257.6(GATA6):c.400G>A (p.Ala134Thr) is a missense variant that results in the substitution of alanine with threonine. This variant is rare in population databases. The currently available literature and clinical evidence are not sufficient to establish a definitive association between this variant and the reported condition. Therefore, this variant is classified as a variant of uncertain significance.

Labcorp Genetics (formerly Invitae), Labcorp
Classification: Uncertain significance for Atrioventricular septal defect 5. Last evaluated: 2025-05-12. Review status: criteria provided, single submitter. Criteria: Invitae Variant Classification Sherloc (09022015). Collection method: clinical testing. Allele origin: germline.
Comment: This sequence change replaces alanine, which is neutral and non-polar, with threonine, which is neutral and polar, at codon 134 of the GATA6 protein (p.Ala134Thr). This variant is present in population databases (rs775539340, gnomAD 0.03%). This variant has not been reported in the literature in individuals affected with GATA6-related conditions. ClinVar contains an entry for this variant (Variation ID: 2164797). Invitae Evidence Modeling of protein sequence and biophysical properties (such as structural, functional, and spatial information, amino acid conservation, physicochemical variation, residue mobility, and thermodynamic stability) indicates that this missense variant is not expected to disrupt GATA6 protein function with a negative predictive value of 80%. In summary, the available evidence is currently insufficient to determine the role of this variant in disease. Therefore, it has been classified as a Variant of Uncertain Significance.